The following is an entry in ClinVar:

ClinVar aggregate classification (germline): Pathogenic (1 of 4 stars; one submission).

Conditions:
Morquio syndrome. Also called: Mucopolysaccharidosis, Type IV; MPS IV; Mucopolysaccharidosis type 4; Eccentrochondrodysplasia. Identifiers: Orphanet 582, MedGen C0026707, MONDO:0018938.

Submission:

Women's Health and Genetics/Laboratory Corporation of America, LabCorp
Classification: Pathogenic for Morquio syndrome. Last evaluated: 2025-07-22. Review status: criteria provided, single submitter. Criteria: LabCorp Variant Classification Summary - May 2015. Collection method: clinical testing. Allele origin: germline.
Comment: Variant summary: GALNS c.1355delT (p.Phe452SerfsX43) results in a premature termination codon, predicted to cause a truncation of the encoded protein or absence of the protein, which are commonly known mechanisms for disease. Variant downstream of this position has been classified Pathogenic (example: GALNS c.1559G>A (p.Trp520X)). The variant allele was found at a frequency of 4e-06 in 249764 control chromosomes. To our knowledge, no occurrence of c.1355delT in individuals affected with Mucopolysaccharidosis Type IVA (Morquio Syndrome A) and no experimental evidence demonstrating its impact on protein function have been reported. No submitters have cited clinical-significance assessments for this variant to ClinVar. Based on the evidence outlined above, the variant was classified as pathogenic.

NM_000512.5(GALNS):c.1355del (p.Phe452fs)

Gene: GALNS (galactosamine (N-acetyl)-6-sulfatase; minus strand). Cytogenetic location: 16q24.3.
Variant type: Deletion.
Coding change: c.1355del on transcript NM_000512.5 (MANE Select); coding-DNA position 1355, one base deleted (T; older notation c.1355delT).
Protein change: p.Phe452fs; shifts the reading frame from phenylalanine 452.
Molecular consequence: frameshift variant.
Genome position (GRCh38, 1-based): chr16:88,822,598, A deleted on the plus strand (T on the coding strand, the reverse complement: GALNS is on the minus strand); the first of 2 consecutive A bases (chr16:88,822,598-88,822,599); deleting either gives the same sequence. VCF-style (leftmost placement, unchanged base first): chr16-88822597-GA-G. GRCh37 (hg19) VCF-style: chr16-88889005-GA-G.
Other names: c.1355delT (NM_000512.5); c.800del, p.Phe267fs (NM_001323543.2); c.1373del, p.Phe458fs (NM_001323544.2); short protein forms F452fs, F458fs, F267fs.
Identifiers: ClinVar variation 4525706 (VCV004525706.1).